The following is an entry in ClinVar:

NM_080826.2(ISM1):c.397G>A (p.Asp133Asn)

Genes: ISM1 (isthmin 1; plus strand), TASP1 (taspase 1; minus strand). Cytogenetic location: 20p12.1.
Variant type: single nucleotide variant.
Coding change: c.397G>A on transcript NM_080826.2 (MANE Select); coding-DNA position 397, G replaced by A.
Protein change: p.Asp133Asn; replaces aspartic acid 133 with asparagine.
Molecular consequence: missense variant.
Genome position (GRCh38, 1-based): chr20:13,279,652, G>A. VCF-style: chr20-13279652-G-A. GRCh37 (hg19) VCF-style: chr20-13260299-G-A.
Other names: short protein forms D133N.
Identifiers: ClinVar variation 3039672 (VCV003039672.2), dbSNP rs111984910, ClinGen allele CA9766204.

ClinVar aggregate classification (germline): Benign (0 of 4 stars; one submission).

Conditions:
ISM1-related disorder. Also called: ISM1-related condition.

Allele frequency attached by ClinVar (database versions not stated): gnomAD exomes 0.00023; ExAC 0.00089; gnomAD 0.00261; TOPMed 0.00278; 1000 Genomes Project 0.00319; ESP Exome Variant Server 0.00328; 1000 Genomes Project 30x 0.00375.
gnomAD v4.1: 763 of 1,613,654 alleles (0.047%); highest among the groups gnomAD compares: African/African-American, 0.86%; 2 homozygotes.

Submission:

PreventionGenetics, part of Exact Sciences
Classification: Benign for ISM1-related condition. Last evaluated: 2019-11-14. Review status: no assertion criteria provided. Collection method: clinical testing. Allele origin: germline.
Comment: This variant is classified as benign based on ACMG/AMP sequence variant interpretation guidelines (Richards et al. 2015 PMID: 25741868, with internal and published modifications).